The following is an entry in ClinVar:

NM_020928.2(ZSWIM6):c.2009T>C (p.Leu670Pro)

Gene: ZSWIM6 (zinc finger SWIM-type containing 6; plus strand). Cytogenetic location: 5q12.1.
Variant type: single nucleotide variant.
Coding change: c.2009T>C on transcript NM_020928.2 (MANE Select); coding-DNA position 2009, T replaced by C.
Protein change: p.Leu670Pro; replaces leucine 670 with proline.
Molecular consequence: missense variant.
Genome position (GRCh38, 1-based): chr5:61,531,489, T>C. VCF-style: chr5-61531489-T-C. GRCh37 (hg19) VCF-style: chr5-60827316-T-C.
Other names: short protein forms L670P.
Identifiers: ClinVar variation 3360008 (VCV003360008.1).

ClinVar aggregate classification (germline): Uncertain significance (1 of 4 stars; one submission).

gnomAD v4.1: 1 of 1,551,602 alleles (0.000064%); highest among the groups gnomAD compares: Admixed American, 0.002%; no homozygotes.

Submission:

GeneDx
Classification: Uncertain significance. Last evaluated: 2023-06-16. Review status: criteria provided, single submitter. Criteria: GeneDx Variant Classification Process June 2021. Collection method: clinical testing. Allele origin: germline. Affected: yes.
Comment: In silico analysis supports that this missense variant does not alter protein structure/function; Has not been previously published as pathogenic or benign to our knowledge